The following is an entry in ClinVar:

ClinVar aggregate classification (germline): Uncertain significance. Review status: criteria provided, multiple submitters, no conflicts (2 of 4 stars). 4 submissions from 4 submitters: Uncertain significance (4). Last evaluated 2022-07-26.

Conditions:
Inborn genetic diseases. Identifiers: MedGen C0950123, MeSH D030342.
Branched-chain keto acid dehydrogenase kinase deficiency (BCKDKD). Also called: BCKDK DEFICIENCY. Identifiers: Orphanet 308410, MedGen C3554078, MONDO:0013970, OMIM 614923.

Allele frequency attached by ClinVar (database versions not stated): ESP Exome Variant Server 0.00054; TOPMed 0.00022.
gnomAD v4.1: 589 of 1,614,014 alleles (0.036%); highest among the groups gnomAD compares: Non-Finnish European, 0.044%; no homozygotes.

Submissions (7):

Labcorp Genetics (formerly Invitae), Labcorp
Classification: Uncertain significance for Branched-chain keto acid dehydrogenase kinase deficiency. Last evaluated: 2022-07-26. Review status: criteria provided, single submitter. Criteria: Invitae Variant Classification Sherloc (09022015). Collection method: clinical testing. Allele origin: germline.
Comment: This sequence change falls in intron 9 of the BCKDK gene. It does not directly change the encoded amino acid sequence of the BCKDK protein. It affects a nucleotide within the consensus splice site. This variant is present in population databases (rs118042732, gnomAD 0.03%). This variant has not been reported in the literature in individuals affected with BCKDK-related conditions. ClinVar contains an entry for this variant (Variation ID: 166745). Variants that disrupt the consensus splice site are a relatively common cause of aberrant splicing (PMID: 17576681, 9536098). Algorithms developed to predict the effect of sequence changes on RNA splicing suggest that this variant may disrupt the consensus splice site. In summary, the available evidence is currently insufficient to determine the role of this variant in disease. Therefore, it has been classified as a Variant of Uncertain Significance.

Ambry Genetics
Classification: Uncertain significance for Inborn genetic diseases. Last evaluated: 2021-12-03. Review status: criteria provided, single submitter. Criteria: Ambry Variant Classification Scheme 2023. Collection method: clinical testing. Allele origin: germline.
Comment: The c.846-3T>A intronic alteration consists of a T to A substitution 3 nucleotides before exon 10 (coding exon 9) of the BCKDK gene. Based on insufficient or conflicting evidence, the clinical significance of this alteration remains unclear.

Baylor Genetics
Classification: Uncertain significance for Branched-chain keto acid dehydrogenase kinase deficiency. Last evaluated: 2018-07-06. Review status: criteria provided, single submitter. Criteria: ACMG Guidelines, 2015. Collection method: clinical testing. Allele origin: maternal. Affected: yes.
Comment: This variant was determined to be of uncertain significance according to ACMG Guidelines, 2015 [PMID:25741868].

Eurofins Ntd Llc (ga)
Classification: Uncertain significance. Last evaluated: 2014-01-27. Review status: criteria provided, single submitter. Criteria: EGL Classification Definitions 2015. Collection method: clinical testing. Allele origin: germline. Observed: 1 variant allele, 1 heterozygote.

Dr. Peter K. Rogan Lab, Western University
No classification provided (evidence only). Condition: Clear cell carcinoma of kidney. Review status: no classification provided. Collection method: in vitro. Allele origin: not applicable. Functional consequence: skipped exon, retained intron. Not counted in ClinVar's aggregate classification.

Dr. Peter K. Rogan Lab, Western University
No classification provided (evidence only). Condition: Uveal melanoma. Review status: no classification provided. Collection method: in vitro. Allele origin: not applicable. Functional consequence: skipped exon, retained intron. Not counted in ClinVar's aggregate classification.

Dr. Peter K. Rogan Lab, Western University
No classification provided (evidence only). Condition: Malignant tumor of esophagus. Review status: no classification provided. Collection method: in vitro. Allele origin: not applicable. Functional consequence: skipped exon, retained intron. Not counted in ClinVar's aggregate classification.

Literature cited by the submitters: PubMed 17576681 (cited by Labcorp Genetics (formerly Invitae), Labcorp); PubMed 9536098 (cited by Labcorp Genetics (formerly Invitae), Labcorp).

NM_005881.4(BCKDK):c.846-3T>A

Gene: BCKDK (branched chain keto acid dehydrogenase kinase; plus strand). Cytogenetic location: 16p11.2.
Variant type: single nucleotide variant.
Coding change: c.846-3T>A on transcript NM_005881.4 (MANE Select); 3 bases into the intron before coding-DNA position 846, T replaced by A.
Molecular consequence: intron variant.
Genome position (GRCh38, 1-based): chr16:31,111,297, T>A. VCF-style: chr16-31111297-T-A. GRCh37 (hg19) VCF-style: chr16-31122618-T-A.
Other names: c.846-3T>A (NM_001122957.4); c.845+78T>A (NM_001271926.3).
Identifiers: ClinVar variation 166745 (VCV000166745.12), dbSNP rs118042732, ClinGen allele CA233531.